The following is an entry in ClinVar:

NM_001035.3(RYR2):c.137T>C (p.Leu46Pro)

Gene: RYR2 (ryanodine receptor 2; plus strand). Cytogenetic location: 1q43.
Variant type: single nucleotide variant.
Coding change: c.137T>C on transcript NM_001035.3 (MANE Select); coding-DNA position 137, T replaced by C.
Protein change: p.Leu46Pro; replaces leucine 46 with proline.
Molecular consequence: missense variant.
Genome position (GRCh38, 1-based): chr1:237,270,585, T>C. VCF-style: chr1-237270585-T-C. GRCh37 (hg19) VCF-style: chr1-237433885-T-C.
Other names: c.137T>C, p.Leu46Pro (LRG_402t1); short protein forms L46P.
Identifiers: ClinVar variation 629486 (VCV000629486.4), dbSNP rs931490334, ClinGen allele CA345654451.
Genomic context (GRCh38, chr1:237,270,585, plus strand): 5'-CAACCATCCACAAAGAACAACAGAAGCTATGCTTGGCAGCAGAAGGATTTGGCAACAGAC[T>C]TTGTTTCTTGGAGTCCACTTCCAATTCCAAGGTGGGATGAAGTCTTTCAAGGCTATTCAA-3'
Protein context (NP_001026.2, residues 36-56): CLAAEGFGNR[Leu46Pro]CFLESTSNSK

ClinVar aggregate classification (germline): Uncertain significance (1 of 4 stars; one submission).

Conditions:
Cardiomyopathy (CMYO). Also called: Cardiomyopathies. Identifiers: Orphanet 167848, MedGen C0878544, MONDO:0004994, HP:0001638. Inheritance: Various modes of inheritance.

Allele frequency attached by ClinVar (database versions not stated): gnomAD exomes below 0.00001.
gnomAD v4.1: 1 of 1,594,478 alleles (0.000063%); highest among the groups gnomAD compares: Non-Finnish European, 0.000085%; no homozygotes.

Submission:

Color Diagnostics, LLC DBA Color Health
Classification: Uncertain significance for Cardiomyopathy. Last evaluated: 2023-12-05. Review status: criteria provided, single submitter. Criteria: ACMG Guidelines, 2015. Collection method: clinical testing. Allele origin: germline.
Comment: Variant of Uncertain Significance due to insufficient evidence: This missense variant is located in the cytoplasmic domain of the RYR2 protein. Computational prediction tools and conservation analyses suggest that this variant may have deleterious impact on the protein function. Computational splicing tools suggest that this variant may not impact RNA splicing. To our knowledge, functional assays have not been performed for this variant nor has this variant been reported in individuals affected with cardiovascular disorders in the literature. This variant is rare in the general population and has been identified in 0/277264 chromosomes by the Genome Aggregation Database (gnomAD). Available evidence is insufficient to determine the pathogenicity of this variant conclusively.